The following is an entry in ClinVar:

ClinVar aggregate classification (germline): Likely pathogenic (1 of 4 stars; one submission).

Conditions:
Inborn genetic diseases. Identifiers: MedGen C0950123, MeSH D030342.

Submission:

Ambry Genetics
Classification: Likely pathogenic for Inborn genetic diseases. Last evaluated: 2019-05-31. Review status: criteria provided, single submitter. Criteria: Ambry Variant Classification Scheme 2023. Collection method: clinical testing. Allele origin: germline.
Comment: The c.1362-2A>G intronic variant results from an A to G substitution two nucleotides upstream from coding exon 16 in the OPHN1 gene. This nucleotide position is highly conserved in available vertebrate species. Based on two different splice site prediction tools, this alteration is expected to abolish the native splice acceptor site; however experimental evidence is not currently available. Based on the majority of available evidence to date, this variant is likely to be pathogenic.

NM_002547.3(OPHN1):c.1362-2A>G

Gene: OPHN1 (oligophrenin 1; minus strand). Cytogenetic location: Xq12.
Variant type: single nucleotide variant.
Coding change: c.1362-2A>G on transcript NM_002547.3 (MANE Select); the canonical splice acceptor site of the intron before coding-DNA position 1362, A replaced by G.
Molecular consequence: splice acceptor variant.
Genome position (GRCh38, 1-based): chrX:68,113,241, T>C on the plus strand (A>G on the coding strand, the complement: OPHN1 is on the minus strand). VCF-style: chrX-68113241-T-C. GRCh37 (hg19) VCF-style: chrX-67333083-T-C.
Identifiers: ClinVar variation 588443 (VCV000588443.5), dbSNP rs1569215808, ClinGen allele CA413431923.
Genomic context (GRCh38, chrX:68,113,241, plus strand): 5'-TGGCAGCAGAGACCAGCTCTTTGTGAAGTCTATAGGTCATGACAGGTTCAGAAAGATTCC[T>C]GAAATGAATGAAAATTGTCAGTTGCTTTGGGAAGAAAGCAGCTGGGTATTGGATTCTTAG-3'